The following is an entry in ClinVar:

ClinVar aggregate classification (germline): Uncertain significance (1 of 4 stars; one submission).

Conditions:
Ornithine aminotransferase deficiency (GACR). Also called: Ornithine ketoacid aminotransferase deficiency; Gyrate atrophy; Gyrate atrophy of choroid and retina; Girate atrophy of the retina; HYPERORNITHINEMIA WITH GYRATE ATROPHY OF CHOROID AND RETINA; OAT DEFICIENCY. Identifiers: Orphanet 414, MedGen C0018425, MONDO:0009796, OMIM 258870.

Allele frequency attached by ClinVar (database versions not stated): gnomAD exomes 0.00002.
gnomAD v4.1: 24 of 1,608,062 alleles (0.0015%); highest among the groups gnomAD compares: Non-Finnish European, 0.002%; no homozygotes.

Submission:

Labcorp Genetics (formerly Invitae), Labcorp
Classification: Uncertain significance for Ornithine aminotransferase deficiency. Last evaluated: 2023-09-13. Review status: criteria provided, single submitter. Criteria: Invitae Variant Classification Sherloc (09022015). Collection method: clinical testing. Allele origin: germline.
Comment: This sequence change affects codon 173 of the OAT mRNA. It is a 'silent' change, meaning that it does not change the encoded amino acid sequence of the OAT protein. It affects a nucleotide within the consensus splice site. In summary, the available evidence is currently insufficient to determine the role of this variant in disease. Therefore, it has been classified as a Variant of Uncertain Significance. Algorithms developed to predict the effect of sequence changes on RNA splicing suggest that this variant may create or strengthen a splice site. ClinVar contains an entry for this variant (Variation ID: 1438574). This variant has not been reported in the literature in individuals affected with OAT-related conditions. This variant is not present in population databases (gnomAD no frequency).

NM_000274.4(OAT):c.519A>G (p.Ala173=)

Gene: OAT (ornithine aminotransferase; minus strand). Cytogenetic location: 10q26.13.
Variant type: single nucleotide variant.
Coding change: c.519A>G on transcript NM_000274.4 (MANE Select); coding-DNA position 519, A replaced by G.
Protein change: p.Ala173=; no amino-acid change (alanine 173 retained).
Molecular consequence: synonymous variant. On other transcripts: 5 prime UTR variant (1), intron variant (1).
Genome position (GRCh38, 1-based): chr10:124,408,543, T>C on the plus strand (A>G on the coding strand, the complement: OAT is on the minus strand). VCF-style: chr10-124408543-T-C. GRCh37 (hg19) VCF-style: chr10-126097112-T-C.
Other names: c.105A>G, p.Ala35= (NM_001171814.2); c.519A>G, p.Ala173= (NM_001322965.2, NM_001322966.2, NM_001322967.2 and 3 more transcripts); c.-196A>G (NM_001322974.2); c.200-2980A>G (NM_001322971.2).
Identifiers: ClinVar variation 1438574 (VCV001438574.8), dbSNP rs2134476827, ClinGen allele CA471763039.
Genomic context (GRCh38, chr10:124,408,543, plus strand): 5'-GCCACAGTAAATTATATTGTATGTTTCAATCATAGAAGTTAATATTTAATTTCACATACC[T>C]GCAAAAACAATCTTTGCTTTGTATTTCTGAATGCCCTTCACGGTATAGCCCCACTTACGA-3'
Protein context (NP_000265.1, residues 163-183): IQKYKAKIVF[Ala173=]AGNFWGRTLS